The following is an entry in ClinVar:

ClinVar aggregate classification (germline): Conflicting classifications of pathogenicity. Review status: criteria provided, conflicting classifications (1 of 4 stars). 4 submissions from 4 submitters: Uncertain significance (3); Likely benign (1). Last evaluated 2026-09-24.

Conditions:
Hereditary cancer-predisposing syndrome. Also called: Hereditary neoplastic syndrome; Neoplastic Syndromes, Hereditary; Tumor predisposition; Hereditary Cancer Syndrome. Identifiers: Orphanet 140162, MedGen C0027672, MeSH D009386, MONDO:0015356.
Cardiovascular phenotype. Identifiers: MedGen CN230736.
Neurofibromatosis, type 1 (NF1). Also called: VON RECKLINGHAUSEN DISEASE; Neurofibromatosis, type I; Peripheral type neurofibromatosis; NEUROFIBROMATOSIS, TYPE I, SOMATIC. Identifiers: Orphanet 636, MedGen C0027831, MONDO:0018975, OMIM 162200. Disease mechanism: loss of function.

Allele frequency attached by ClinVar (database versions not stated): gnomAD exomes below 0.00001.
gnomAD v4.1: 3 of 1,614,136 alleles (0.00019%); highest among the groups gnomAD compares: African/African-American, 0.0013%; no homozygotes.

Submissions (4):

GeneDx
Classification: Uncertain significance. Last evaluated: 2026-09-24. Review status: criteria provided, single submitter. Criteria: GeneDx Variant Classification Process June 2021. Collection method: clinical testing. Allele origin: germline.
Comment: Not observed at significant frequency in large population cohorts (gnomAD); In silico analysis supports that this missense variant has a deleterious effect on protein structure/function; Has not been previously published as pathogenic or benign to our knowledge

Labcorp Genetics (formerly Invitae), Labcorp
Classification: Likely benign for Neurofibromatosis, type 1. Last evaluated: 2025-07-06. Review status: criteria provided, single submitter. Criteria: Invitae Variant Classification Sherloc (09022015). Collection method: clinical testing. Allele origin: germline.

Ambry Genetics
Classification: Uncertain significance for Cardiovascular phenotype; Hereditary cancer-predisposing syndrome. Last evaluated: 2023-11-29. Review status: criteria provided, single submitter. Criteria: Ambry Variant Classification Scheme 2023. Collection method: clinical testing. Allele origin: germline.
Comment: The p.N1652S variant (also known as c.4955A>G), located in coding exon 36 of the NF1 gene, results from an A to G substitution at nucleotide position 4955. The asparagine at codon 1652 is replaced by serine, an amino acid with highly similar properties. This amino acid position is highly conserved in available vertebrate species. In addition, the in silico prediction for this alteration is inconclusive. Since supporting evidence is limited at this time, the clinical significance of this alteration remains unclear.

Genome-Nilou Lab
Classification: Uncertain significance for Neurofibromatosis, type 1. Last evaluated: 2022-03-15. Review status: criteria provided, single submitter. Criteria: ACMG Guidelines, 2015. Collection method: clinical testing. Allele origin: germline. Affected: no.

NM_001042492.3(NF1):c.5018A>G (p.Asn1673Ser)

Gene: NF1 (neurofibromin 1; plus strand). Cytogenetic location: 17q11.2.
Variant type: single nucleotide variant.
Coding change: c.5018A>G on transcript NM_001042492.3 (MANE Select); coding-DNA position 5018, A replaced by G.
Protein change: p.Asn1673Ser; replaces asparagine 1673 with serine.
Molecular consequence: missense variant.
Genome position (GRCh38, 1-based): chr17:31,326,002, A>G. VCF-style: chr17-31326002-A-G. GRCh37 (hg19) VCF-style: chr17-29653020-A-G.
Other names: c.4955A>G, p.Asn1652Ser (NM_000267.4); short protein forms N1652S, N1673S.
Identifiers: ClinVar variation 457736 (VCV000457736.15), dbSNP rs1201910133, ClinGen allele CA399007329.